The following is an entry in ClinVar:

ClinVar aggregate classification (germline): Uncertain significance (1 of 4 stars; one submission).

Submission:

Labcorp Genetics (formerly Invitae), Labcorp
Classification: Uncertain significance. Last evaluated: 2025-12-25. Review status: criteria provided, single submitter. Criteria: Invitae Variant Classification Sherloc (09022015). Collection method: clinical testing. Allele origin: germline.
Comment: This sequence change replaces aspartic acid, which is acidic and polar, with tyrosine, which is neutral and polar, at codon 2713 of the PIEZO2 protein (p.Asp2713Tyr). This variant is not present in population databases (gnomAD no frequency). This variant has not been reported in the literature in individuals affected with PIEZO2-related conditions. Invitae Evidence Modeling of protein sequence and biophysical properties (such as structural, functional, and spatial information, amino acid conservation, physicochemical variation, residue mobility, and thermodynamic stability) indicates that this missense variant is expected to disrupt PIEZO2 protein function with a positive predictive value of 80%. In summary, the available evidence is currently insufficient to determine the role of this variant in disease. Therefore, it has been classified as a Variant of Uncertain Significance.

NM_001378183.1(PIEZO2):c.8476G>T (p.Asp2826Tyr)

Gene: PIEZO2 (piezo type mechanosensitive ion channel component 2; minus strand). Cytogenetic location: 18p11.22.
Variant type: single nucleotide variant.
Coding change: c.8476G>T on transcript NM_001378183.1 (MANE Select); coding-DNA position 8476, G replaced by T.
Protein change: p.Asp2826Tyr; replaces aspartic acid 2826 with tyrosine.
Molecular consequence: missense variant.
Genome position (GRCh38, 1-based): chr18:10,671,649, C>A on the plus strand (G>T on the coding strand, the complement: PIEZO2 is on the minus strand). VCF-style: chr18-10671649-C-A. GRCh37 (hg19) VCF-style: chr18-10671646-C-A.
Other names: c.8212G>T, p.Asp2738Tyr (NM_001410871.1); c.8137G>T, p.Asp2713Tyr (NM_022068.4); short protein forms D2738Y, D2826Y, D2713Y.
Identifiers: ClinVar variation 4746645 (VCV004746645.1).
Genomic context (GRCh38, chr18:10,671,649, plus strand): 5'-ATTTGGCATAGAGATCTTCTTCTAGCTCCAGTTCTCCTGTCTCTCGAACTAAAAAAATAT[C>A]TGTGCACAACTTCAAAATTCGATCCACATTTGGAAGCTCTTCAAACATGATGGAGTGAGA-3'
Protein context (NP_001365112.1, residues 2816-2836): NVDRILKLCT[Asp2826Tyr]IFLVRETGEL